The following is an entry in ClinVar:

NM_000124.4(ERCC6):c.2141G>A (p.Gly714Glu)

Gene: ERCC6 (ERCC excision repair 6, chromatin remodeling factor; minus strand). Cytogenetic location: 10q11.23.
Variant type: single nucleotide variant.
Coding change: c.2141G>A on transcript NM_000124.4 (MANE Select); coding-DNA position 2141, G replaced by A.
Protein change: p.Gly714Glu; replaces glycine 714 with glutamic acid.
Molecular consequence: missense variant.
Genome position (GRCh38, 1-based): chr10:49,482,715, C>T on the plus strand (G>A on the coding strand, the complement: ERCC6 is on the minus strand). VCF-style: chr10-49482715-C-T. GRCh37 (hg19) VCF-style: chr10-50690761-C-T.
Other names: c.2141G>A, p.Gly714Glu (NM_001346440.2); short protein forms G714E.
Identifiers: ClinVar variation 4795585 (VCV004795585.1).

ClinVar aggregate classification (germline): Uncertain significance (1 of 4 stars; one submission).

Submission:

GeneDx
Classification: Uncertain significance. Last evaluated: 2025-08-11. Review status: criteria provided, single submitter. Criteria: GeneDx Variant Classification Process June 2021. Collection method: clinical testing. Allele origin: germline. Affected: yes.
Comment: Not observed at significant frequency in large population cohorts (gnomAD); In silico analysis supports that this missense variant has a deleterious effect on protein structure/function; Has not been previously published as pathogenic or benign to our knowledge